The following is an entry in ClinVar:

NM_206933.4(USH2A):c.10071del (p.Lys3357fs)

Gene: USH2A (usherin; minus strand). Cytogenetic location: 1q41.
Variant type: Deletion.
Coding change: c.10071del on transcript NM_206933.4 (MANE Select); coding-DNA position 10071, one base deleted (A; older notation c.10071delA).
Protein change: p.Lys3357fs; shifts the reading frame from lysine 3357.
Molecular consequence: frameshift variant.
Genome position (GRCh38, 1-based): chr1:215,790,170, T deleted on the plus strand (A on the coding strand, the reverse complement: USH2A is on the minus strand); the first of 4 consecutive T bases (chr1:215,790,170-215,790,173); deleting any one gives the same sequence. VCF-style (leftmost placement, unchanged base first): chr1-215790169-AT-A. GRCh37 (hg19) VCF-style: chr1-215963511-AT-A.
Other names: short protein forms K3357fs.
Identifiers: ClinVar variation 1072786 (VCV001072786.7), dbSNP rs2102769969, ClinGen allele CA2499214489.
Genomic context (GRCh38, chr1:215,790,169, plus strand): 5'-GATTATATCCAACTCCATTACAGCATTTCTGGCTCTTTGGAATAAGTTCAGTCTCACAGC[AT>A]TTTACTGGCACCGGGTCATTCTTTTTAATATGTGCTTTAGACTCTCCACTGGAAGCTGAG-3'

ClinVar aggregate classification (germline): Pathogenic (1 of 4 stars; one submission).

Submission:

Labcorp Genetics (formerly Invitae), Labcorp
Classification: Pathogenic. Last evaluated: 2020-09-09. Review status: criteria provided, single submitter. Criteria: Invitae Variant Classification Sherloc (09022015). Collection method: clinical testing. Allele origin: germline.
Comment: For these reasons, this variant has been classified as Pathogenic. Loss-of-function variants in USH2A are known to be pathogenic (PMID: 10729113, 10909849, 20507924, 25649381). This variant has not been reported in the literature in individuals with USH2A-related conditions. This variant is not present in population databases (ExAC no frequency). This sequence change creates a premature translational stop signal (p.Lys3357Asnfs*23) in the USH2A gene. It is expected to result in an absent or disrupted protein product.

Literature cited by the submitters: PubMed 10729113; PubMed 10909849; PubMed 20507924; PubMed 25649381.